The following is an entry in ClinVar:

ClinVar aggregate classification (germline): Conflicting classifications of pathogenicity. Review status: criteria provided, conflicting classifications (1 of 4 stars). 4 submissions from 3 submitters: Uncertain significance (2); Likely benign (2). Last evaluated 2024-12-09.

Conditions:
Achromatopsia. Also called: Rod monochromatism. Identifiers: Orphanet 49382, MedGen C0152200, MONDO:0018852, HP:0011516.
Cone dystrophy 4 (COD4). Identifiers: Orphanet 49382, MedGen C2751308, MONDO:0013129, OMIM 613093.

Allele frequency attached by ClinVar (database versions not stated): ESP Exome Variant Server 0.00008; TOPMed 0.00008.
gnomAD v4.1: 194 of 1,613,652 alleles (0.012%); highest among the groups gnomAD compares: Middle Eastern, 0.033%; no homozygotes.

Submissions (4):

Labcorp Genetics (formerly Invitae), Labcorp
Classification: Uncertain significance. Last evaluated: 2024-12-09. Review status: criteria provided, single submitter. Criteria: Invitae Variant Classification Sherloc (09022015). Collection method: clinical testing. Allele origin: germline.
Comment: This sequence change replaces lysine, which is basic and polar, with asparagine, which is neutral and polar, at codon 822 of the PDE6C protein (p.Lys822Asn). This variant is present in population databases (rs79487435, gnomAD 0.04%). This variant has not been reported in the literature in individuals affected with PDE6C-related conditions. ClinVar contains an entry for this variant (Variation ID: 877550). Invitae Evidence Modeling of protein sequence and biophysical properties (such as structural, functional, and spatial information, amino acid conservation, physicochemical variation, residue mobility, and thermodynamic stability) has been performed for this missense variant. However, the output from this modeling did not meet the statistical confidence thresholds required to predict the impact of this variant on PDE6C protein function. In summary, the available evidence is currently insufficient to determine the role of this variant in disease. Therefore, it has been classified as a Variant of Uncertain Significance.

Blueprint Genetics
Classification: Uncertain significance. Last evaluated: 2024-11-25. Review status: criteria provided, single submitter. Criteria: ACMG Guidelines, 2015. Collection method: clinical testing. Allele origin: germline.

Illumina Laboratory Services, Illumina
Classification: Likely benign for Cone dystrophy 4. Last evaluated: 2017-04-27. Review status: criteria provided, single submitter. Criteria: ICSL Variant Classification Criteria 13 December 2019. Collection method: clinical testing. Allele origin: germline.
Comment: This variant was observed as part of a predisposition screen in an ostensibly healthy population. A literature search was performed for the gene, cDNA change, and amino acid change (where applicable). Publications were found based on this search. The evidence from the literature, in combination with allele frequency data from public databases where available, was sufficient to determine this variant is unlikely to cause disease. Therefore, this variant is classified as likely benign.

Illumina Laboratory Services, Illumina
Classification: Likely benign for Achromatopsia. Last evaluated: 2017-04-27. Review status: criteria provided, single submitter. Criteria: ICSL Variant Classification Criteria 13 December 2019. Collection method: clinical testing. Allele origin: germline.
Comment: This variant was observed as part of a predisposition screen in an ostensibly healthy population. A literature search was performed for the gene, cDNA change, and amino acid change (where applicable). No publications were found based on this search. Allele frequency data from public databases allowed determination this variant is unlikely to cause disease. Therefore, this variant is classified as likely benign.

Literature cited by the submitters: PubMed 10393054 (cited by Illumina Laboratory Services, Illumina).

NM_006204.4(PDE6C):c.2466G>C (p.Lys822Asn)

Gene: PDE6C (phosphodiesterase 6C; plus strand). Cytogenetic location: 10q23.33.
Variant type: single nucleotide variant.
Coding change: c.2466G>C on transcript NM_006204.4 (MANE Select); coding-DNA position 2466, G replaced by C.
Protein change: p.Lys822Asn; replaces lysine 822 with asparagine.
Molecular consequence: missense variant.
Genome position (GRCh38, 1-based): chr10:93,663,126, G>C. VCF-style: chr10-93663126-G-C. GRCh37 (hg19) VCF-style: chr10-95422883-G-C.
Other names: short protein forms K822N.
Identifiers: ClinVar variation 877550 (VCV000877550.13), dbSNP rs79487435, ClinGen allele CA5610502.